The following is an entry in ClinVar:

NM_000937.5(POLR2A):c.2094T>G (p.Thr698=)

Gene: POLR2A (RNA polymerase II subunit A; plus strand). Cytogenetic location: 17p13.1.
Variant type: single nucleotide variant.
Coding change: c.2094T>G on transcript NM_000937.5 (MANE Select); coding-DNA position 2094, T replaced by G.
Protein change: p.Thr698=; no amino-acid change (threonine 698 retained).
Molecular consequence: synonymous variant.
Genome position (GRCh38, 1-based): chr17:7,501,332, T>G. VCF-style: chr17-7501332-T-G. GRCh37 (hg19) VCF-style: chr17-7404651-T-G.
Identifiers: ClinVar variation 3234378 (VCV003234378.20), dbSNP rs141797325, ClinGen allele CA8349628.

ClinVar aggregate classification (germline): Likely benign (1 of 4 stars; one submission).

Allele frequency attached by ClinVar (database versions not stated): gnomAD exomes 0.00014; ExAC 0.00061; gnomAD 0.00161; 1000 Genomes Project 30x 0.00203; TOPMed 0.00203; ESP Exome Variant Server 0.00208; 1000 Genomes Project 0.00240.

Submission:

CeGaT Center for Human Genetics Tuebingen
Classification: Likely benign. Last evaluated: 2024-12-01. Review status: criteria provided, single submitter. Criteria: CeGaT Center For Human Genetics Tuebingen Variant Classification Criteria Version 2. Collection method: clinical testing. Allele origin: germline. Affected: yes. Observed: 2 variant alleles.
Comment: POLR2A: BP4, BP7, BS1